The following is an entry in ClinVar:

ClinVar aggregate classification (germline): Uncertain significance (1 of 4 stars; one submission).

Conditions:
Nephronophthisis 15 (NPHP15). Identifiers: Orphanet 3156, MedGen C3541853, MONDO:0013917, OMIM 614845.

Submission:

Labcorp Genetics (formerly Invitae), Labcorp
Classification: Uncertain significance for Nephronophthisis 15. Last evaluated: 2020-12-28. Review status: criteria provided, single submitter. Criteria: Invitae Variant Classification Sherloc (09022015). Collection method: clinical testing. Allele origin: germline.
Comment: In summary, the available evidence is currently insufficient to determine the role of this variant in disease. Therefore, it has been classified as a Variant of Uncertain Significance. Algorithms developed to predict the effect of missense changes on protein structure and function (SIFT, PolyPhen-2, Align-GVGD) all suggest that this variant is likely to be disruptive, but these predictions have not been confirmed by published functional studies and their clinical significance is uncertain. This variant has not been reported in the literature in individuals with CEP164-related conditions. This variant is not present in population databases (ExAC no frequency). This sequence change replaces glutamic acid with glycine at codon 579 of the CEP164 protein (p.Glu579Gly). The glutamic acid residue is highly conserved and there is a moderate physicochemical difference between glutamic acid and glycine.

NM_014956.5(CEP164):c.1736A>G (p.Glu579Gly)

Gene: CEP164 (centrosomal protein 164; plus strand). Cytogenetic location: 11q23.3.
Variant type: single nucleotide variant.
Coding change: c.1736A>G on transcript NM_014956.5 (MANE Select); coding-DNA position 1736, A replaced by G.
Protein change: p.Glu579Gly; replaces glutamic acid 579 with glycine.
Molecular consequence: missense variant.
Genome position (GRCh38, 1-based): chr11:117,387,214, A>G. VCF-style: chr11-117387214-A-G. GRCh37 (hg19) VCF-style: chr11-117257930-A-G.
Other names: c.1745A>G, p.Glu582Gly (NM_001271933.2); short protein forms E579G, E582G.
Identifiers: ClinVar variation 1360963 (VCV001360963.8), dbSNP rs2136244485, ClinGen allele CA382716926.